The following is an entry in ClinVar:

ClinVar aggregate classification (germline): Conflicting classifications of pathogenicity. Review status: criteria provided, conflicting classifications (1 of 4 stars). 2 submissions from 2 submitters: Uncertain significance (1); Likely benign (1). Last evaluated 2023-03-23.

Conditions:
Hereditary cancer-predisposing syndrome. Also called: Neoplastic Syndromes, Hereditary; Hereditary Cancer Syndrome; Hereditary neoplastic syndrome; Tumor predisposition. Identifiers: Orphanet 140162, MedGen C0027672, MeSH D009386, MONDO:0015356.
Hereditary breast ovarian cancer syndrome. Also called: Hereditary breast and ovarian cancer syndrome; BRCA1- and BRCA2-Associated Hereditary Breast and Ovarian Cancer; Hereditary breast and ovarian cancer; Hereditary breast and/or ovarian cancer syndrome; Hereditary breast and ovarian cancer syndrome (HBOC); Breast and ovarian cancer. Identifiers: Orphanet 145, MedGen C0677776, MeSH D061325, MONDO:0003582. Disease mechanism: loss of function.

Submissions (2):

University of Washington Department of Laboratory Medicine, University of Washington
Classification: Likely benign for Hereditary cancer-predisposing syndrome. Last evaluated: 2023-03-23. Review status: criteria provided, single submitter. Criteria: Dines et al. (Genet Med. 2020). Collection method: curation. Allele origin: germline.
Comment: Missense variant in a coldspot region where missense variants are very unlikely to be pathogenic (PMID:31911673).

BRCA2 exon 11 coldspot. Reclassification based on statistical prior probability.

Labcorp Genetics (formerly Invitae), Labcorp
Classification: Uncertain significance for Hereditary breast ovarian cancer syndrome. Last evaluated: 2022-03-06. Review status: criteria provided, single submitter. Criteria: Invitae Variant Classification Sherloc (09022015). Collection method: clinical testing. Allele origin: germline.
Comment: This sequence change replaces isoleucine, which is neutral and non-polar, with methionine, which is neutral and non-polar, at codon 1364 of the BRCA2 protein (p.Ile1364Met). This variant is not present in population databases (gnomAD no frequency). This variant has not been reported in the literature in individuals affected with BRCA2-related conditions. Advanced modeling of protein sequence and biophysical properties (such as structural, functional, and spatial information, amino acid conservation, physicochemical variation, residue mobility, and thermodynamic stability) performed at Invitae indicates that this missense variant is not expected to disrupt BRCA2 protein function. In summary, the available evidence is currently insufficient to determine the role of this variant in disease. Therefore, it has been classified as a Variant of Uncertain Significance.

NM_000059.4(BRCA2):c.4092A>G (p.Ile1364Met)

Gene: BRCA2 (BRCA2 DNA repair associated; plus strand). Cytogenetic location: 13q13.1.
Variant type: single nucleotide variant.
Coding change: c.4092A>G on transcript NM_000059.4 (MANE Select); coding-DNA position 4092, A replaced by G.
Protein change: p.Ile1364Met; replaces isoleucine 1364 with methionine.
Molecular consequence: missense variant.
Genome position (GRCh38, 1-based): chr13:32,338,447, A>G. VCF-style: chr13-32338447-A-G. GRCh37 (hg19) VCF-style: chr13-32912584-A-G.
Other names: c.4092A>G, p.Ile1364Met (NM_001406719.1, NM_001406720.1); short protein forms I1364M.
Identifiers: ClinVar variation 2107467 (VCV002107467.6), dbSNP rs2137502823, ClinGen allele CA387779225.